The following is an entry in ClinVar:

NM_000070.3(CAPN3):c.793T>C (p.Ser265Pro)

Gene: CAPN3 (calpain 3; plus strand). Cytogenetic location: 15q15.1.
Variant type: single nucleotide variant.
Coding change: c.793T>C on transcript NM_000070.3 (MANE Select); coding-DNA position 793, T replaced by C.
Protein change: p.Ser265Pro; replaces serine 265 with proline.
Molecular consequence: missense variant.
Genome position (GRCh38, 1-based): chr15:42,389,088, T>C. VCF-style: chr15-42389088-T-C. GRCh37 (hg19) VCF-style: chr15-42681286-T-C.
Other names: c.793T>C, p.Ser265Pro (NM_024344.2, NM_173087.2); short protein forms S265P.
Identifiers: ClinVar variation 1180801 (VCV001180801.4), dbSNP rs2053485355, ClinGen allele CA391998397.

ClinVar aggregate classification (germline): Conflicting classifications of pathogenicity. Review status: criteria provided, conflicting classifications (1 of 4 stars). 3 submissions from 3 submitters: Likely pathogenic (1); Uncertain significance (2). Last evaluated 2023-11-24.

Conditions:
Abnormality of the musculature. Identifiers: MedGen C4021745, HP:0003011.
Autosomal recessive limb-girdle muscular dystrophy type 2A (LGMDR1). Also called: LEYDEN-MOEBIUS MUSCULAR DYSTROPHY; Muscular dystrophy, limb-girdle, type 2A, Amish; MUSCULAR DYSTROPHY, PELVOFEMORAL; Limb-girdle muscular dystrophy, type 2A; Calpainopathy. Identifiers: Orphanet 267, MedGen C1869123, MONDO:0009675, OMIM 253600. Disease mechanism: loss of function.

Submissions (3):

Labcorp Genetics (formerly Invitae), Labcorp
Classification: Uncertain significance for Autosomal recessive limb-girdle muscular dystrophy type 2A. Last evaluated: 2023-11-24. Review status: criteria provided, single submitter. Criteria: Invitae Variant Classification Sherloc (09022015). Collection method: clinical testing. Allele origin: germline.
Comment: This sequence change replaces serine, which is neutral and polar, with proline, which is neutral and non-polar, at codon 265 of the CAPN3 protein (p.Ser265Pro). This variant is not present in population databases (gnomAD no frequency). This variant has not been reported in the literature in individuals affected with CAPN3-related conditions. ClinVar contains an entry for this variant (Variation ID: 1180801). Advanced modeling of protein sequence and biophysical properties (such as structural, functional, and spatial information, amino acid conservation, physicochemical variation, residue mobility, and thermodynamic stability) performed at Invitae indicates that this missense variant is expected to disrupt CAPN3 protein function with a positive predictive value of 80%. In summary, the available evidence is currently insufficient to determine the role of this variant in disease. Therefore, it has been classified as a Variant of Uncertain Significance.

Kariminejad - Najmabadi Pathology & Genetics Center
Classification: Likely pathogenic for Abnormality of the musculature. Last evaluated: 2021-07-10. Review status: criteria provided, single submitter. Criteria: ACMG Guidelines, 2015. Collection method: clinical testing. Allele origin: germline. Affected: yes.

Neuberg Centre For Genomic Medicine, NCGM
Classification: Uncertain significance for Autosomal recessive limb-girdle muscular dystrophy type 2A. Review status: criteria provided, single submitter. Criteria: ACMG Guidelines, 2015. Collection method: clinical testing. Allele origin: germline. Inheritance: Autosomal recessive inheritance. Affected: yes.
Comment: The missense c.793T>C(p.Ser265Pro) variant in CAPN3 gene has not been reported previously as a pathogenic variant nor as a benign variant, to our knowledge. The p.Ser265Pro variant is novel (not in any individuals) in gnomAD Exomes and 1000 Genomes. The amino acid Ser at position 265 is changed to a Pro changing protein sequence and it might alter its composition and physico-chemical properties. The variant is predicted to be damaging by both SIFT and PolyPhen2. The residue is conserved across species. The amino acid change p.Ser265Pro in CAPN3 is predicted as conserved by GERP++ and PhyloP across 100 vertebrates. For these reasons, this variant has been classified as Uncertain Significance.